The following is an entry in ClinVar:

NM_002292.4(LAMB2):c.4712C>T (p.Ala1571Val)

Gene: LAMB2 (laminin subunit beta 2; minus strand). Cytogenetic location: 3p21.31.
Variant type: single nucleotide variant.
Coding change: c.4712C>T on transcript NM_002292.4 (MANE Select); coding-DNA position 4712, C replaced by T.
Protein change: p.Ala1571Val; replaces alanine 1571 with valine.
Molecular consequence: missense variant.
Genome position (GRCh38, 1-based): chr3:49,122,232, G>A on the plus strand (C>T on the coding strand, the complement: LAMB2 is on the minus strand). VCF-style: chr3-49122232-G-A. GRCh37 (hg19) VCF-style: chr3-49159665-G-A.
Other names: short protein forms A1571V.
Identifiers: ClinVar variation 955803 (VCV000955803.6), dbSNP rs371490301, ClinGen allele CA2393726.

ClinVar aggregate classification (germline): Uncertain significance. Review status: criteria provided, multiple submitters, no conflicts (2 of 4 stars). 3 submissions from 3 submitters: Uncertain significance (3). Last evaluated 2025-08-31.

Conditions:
Pierson syndrome. Also called: MICROCORIA-CONGENITAL NEPHROTIC SYNDROME. Identifiers: Orphanet 2670, MedGen C1836876, MONDO:0012184, OMIM 609049.
LAMB2-related infantile-onset nephrotic syndrome. Also called: Nephrotic Syndrome, type 5; NEPHROTIC SYNDROME, TYPE 5, WITHOUT OCULAR ABNORMALITIES; NEPHROTIC SYNDROME, TYPE 5, WITH OCULAR ABNORMALITIES. Identifiers: Orphanet 306507, MedGen C3280113, MONDO:0013621, OMIM 614199.
Inborn genetic diseases. Identifiers: MedGen C0950123, MeSH D030342.

Allele frequency attached by ClinVar (database versions not stated): gnomAD 0.00001; gnomAD exomes 0.00001 and 0.00003; ExAC 0.00003; TOPMed 0.00003; ESP Exome Variant Server 0.00008.
gnomAD v4.1: 18 of 1,613,314 alleles (0.0011%); highest among the groups gnomAD compares: South Asian, 0.0033%; no homozygotes.

Submissions (3):

Ambry Genetics
Classification: Uncertain significance for Inborn genetic diseases. Last evaluated: 2025-08-31. Review status: criteria provided, single submitter. Criteria: Ambry Variant Classification Scheme 2023. Collection method: clinical testing. Allele origin: germline.

Labcorp Genetics (formerly Invitae), Labcorp
Classification: Uncertain significance for LAMB2-related infantile-onset nephrotic syndrome; Pierson syndrome. Last evaluated: 2022-02-05. Review status: criteria provided, single submitter. Criteria: Invitae Variant Classification Sherloc (09022015). Collection method: clinical testing. Allele origin: germline.
Comment: This sequence change replaces alanine, which is neutral and non-polar, with valine, which is neutral and non-polar, at codon 1571 of the LAMB2 protein (p.Ala1571Val). This variant is present in population databases (rs371490301, gnomAD 0.004%). This variant has not been reported in the literature in individuals affected with LAMB2-related conditions. ClinVar contains an entry for this variant (Variation ID: 955803). Algorithms developed to predict the effect of missense changes on protein structure and function (SIFT, PolyPhen-2, Align-GVGD) all suggest that this variant is likely to be tolerated. In summary, the available evidence is currently insufficient to determine the role of this variant in disease. Therefore, it has been classified as a Variant of Uncertain Significance.

Fulgent Genetics
Classification: Uncertain significance for Pierson syndrome; LAMB2-related infantile-onset nephrotic syndrome. Last evaluated: 2021-11-16. Review status: criteria provided, single submitter. Criteria: ACMG Guidelines, 2015. Collection method: clinical testing. Allele origin: unknown.